The following is an entry in ClinVar:

ClinVar aggregate classification (germline): Likely benign. Review status: criteria provided, multiple submitters, no conflicts (2 of 4 stars). 2 submissions from 2 submitters: Likely benign (2). Last evaluated 2025-10-02.

Conditions:
PCNT-related disorder. Also called: PCNT-related condition.

Allele frequency attached by ClinVar (database versions not stated): TOPMed 0.00001; gnomAD exomes 0.00002; gnomAD 0.00003.
gnomAD v4.1: 39 of 1,612,582 alleles (0.0024%); highest among the groups gnomAD compares: African/African-American, 0.0067%; no homozygotes.

Submissions (2):

PreventionGenetics, part of Exact Sciences
Classification: Likely benign for PCNT-related condition. Last evaluated: 2025-10-02. Review status: criteria provided, single submitter. Criteria: ACMG Guidelines, 2015. Collection method: clinical testing. Allele origin: germline.
Comment: This variant is classified as likely benign based on ACMG/AMP sequence variant interpretation guidelines (Richards et al. 2015 PMID: 25741868, with internal and published modifications).

Labcorp Genetics (formerly Invitae), Labcorp
Classification: Likely benign. Last evaluated: 2024-01-09. Review status: criteria provided, single submitter. Criteria: Invitae Variant Classification Sherloc (09022015). Collection method: clinical testing. Allele origin: germline.

NM_006031.6(PCNT):c.5637T>C (p.Ala1879=)

Gene: PCNT (pericentrin; plus strand). Cytogenetic location: 21q22.3.
Variant type: single nucleotide variant.
Coding change: c.5637T>C on transcript NM_006031.6 (MANE Select); coding-DNA position 5637, T replaced by C.
Protein change: p.Ala1879=; no amino-acid change (alanine 1879 retained).
Molecular consequence: synonymous variant.
Genome position (GRCh38, 1-based): chr21:46,411,710, T>C. VCF-style: chr21-46411710-T-C. GRCh37 (hg19) VCF-style: chr21-47831624-T-C.
Other names: c.5283T>C, p.Ala1761= (NM_001315529.2); c.5637T>C (NM_006031.5).
Identifiers: ClinVar variation 2858645 (VCV002858645.4), dbSNP rs1438723441, ClinGen allele CA513174247.